The following is an entry in ClinVar:

NM_033380.3(COL4A5):c.584G>A (p.Gly195Asp)

Gene: COL4A5 (collagen type IV alpha 5 chain; plus strand). Cytogenetic location: Xq22.3.
Variant type: single nucleotide variant.
Coding change: c.584G>A on transcript NM_033380.3 (MANE Select); coding-DNA position 584, G replaced by A.
Protein change: p.Gly195Asp; replaces glycine 195 with aspartic acid.
Molecular consequence: missense variant.
Genome position (GRCh38, 1-based): chrX:108,575,947, G>A. VCF-style: chrX-108575947-G-A. GRCh37 (hg19) VCF-style: chrX-107819177-G-A.
Other names: c.584G>A, p.Gly195Asp (NM_000495.5); short protein forms G195D.
Identifiers: ClinVar variation 24292 (VCV000024292.4), dbSNP rs104886061, ClinGen allele CA258276.
Genomic context (GRCh38, chrX:108,575,947, plus strand): 5'-TTTCTTTACTCACTTTATAACAGGGCCTACCTGGTCCCACTGGTATACCAGGGCCAATTG[G>A]TCCCCCAGGACCACCAGGTTTGATGGTAAGCTCTCTTCTTTAATTTAATTTCCCCCCCTT-3'
Protein context (NP_203699.1, residues 185-205): PGPTGIPGPI[Gly195Asp]PPGPPGLMGP

ClinVar aggregate classification (germline): Pathogenic (1 of 4 stars; one submission).

Conditions:
X-linked Alport syndrome (ATS1). Also called: COL4A5-Related Nephropathy; NEPHROPATHY AND DEAFNESS, X-LINKED. Identifiers: Orphanet 63, Orphanet 88917, MedGen C4746986, MONDO:0010520, OMIM 301050.

Submission:

Precision Medicine Center, Zhengzhou University
Classification: Pathogenic for X-linked Alport syndrome. Review status: criteria provided, single submitter. Criteria: ACMG Guidelines, 2015. Collection method: research. Allele origin: germline. Affected: yes.
Comment: PM1:Located in a mutational hot spot PM2:not found in gnomAD PM5: Novel missense change at an amino acid residue where a different missense change determined to be pathogenic has been seen before PP2:Missense variant in a gene that has a low rate of benign missense variation and in which missense variants are a common mechanism of disease PP3:Multiple lines of computational evidence support a deleterious effect on the gene or gene product